The following is an entry in ClinVar:

NM_001458.5(FLNC):c.1003A>C (p.Thr335Pro)

Gene: FLNC (filamin C; plus strand). Cytogenetic location: 7q32.1.
Variant type: single nucleotide variant.
Coding change: c.1003A>C on transcript NM_001458.5 (MANE Select); coding-DNA position 1003, A replaced by C.
Protein change: p.Thr335Pro; replaces threonine 335 with proline.
Molecular consequence: missense variant.
Genome position (GRCh38, 1-based): chr7:128,838,020, A>C. VCF-style: chr7-128838020-A-C. GRCh37 (hg19) VCF-style: chr7-128478074-A-C.
Other names: c.1003A>C, p.Thr335Pro (NM_001127487.2); short protein forms T335P.
Identifiers: ClinVar variation 1715459 (VCV001715459.6), dbSNP rs1391359143, ClinGen allele CA369223371.

ClinVar aggregate classification (germline): Uncertain significance (1 of 4 stars; one submission).

Conditions:
Myofibrillar myopathy 5. Also called: Filaminopathy (type); FILAMINOPATHY, AUTOSOMAL DOMINANT. Identifiers: Orphanet 171445, MedGen C1836050, MONDO:0012289, OMIM 609524.
Distal myopathy with posterior leg and anterior hand involvement. Also called: WILLIAMS DISTAL MYOPATHY. Identifiers: Orphanet 63273, MedGen C3279722, MONDO:0013550, OMIM 614065.
Hypertrophic cardiomyopathy 26. Also called: Cardiomyopathy, familial hypertrophic, 26. Identifiers: Orphanet 75249, MedGen C4310749, MONDO:0014883, OMIM 617047.

Submission:

Labcorp Genetics (formerly Invitae), Labcorp
Classification: Uncertain significance for Distal myopathy with posterior leg and anterior hand involvement; Myofibrillar myopathy 5; Hypertrophic cardiomyopathy 26. Last evaluated: 2022-08-07. Review status: criteria provided, single submitter. Criteria: Invitae Variant Classification Sherloc (09022015). Collection method: clinical testing. Allele origin: germline.
Comment: In summary, the available evidence is currently insufficient to determine the role of this variant in disease. Therefore, it has been classified as a Variant of Uncertain Significance. Algorithms developed to predict the effect of missense changes on protein structure and function are either unavailable or do not agree on the potential impact of this missense change (SIFT: "Deleterious"; PolyPhen-2: "Possibly Damaging"; Align-GVGD: "Class C0"). This variant has not been reported in the literature in individuals affected with FLNC-related conditions. This variant is not present in population databases (gnomAD no frequency). This sequence change replaces threonine, which is neutral and polar, with proline, which is neutral and non-polar, at codon 335 of the FLNC protein (p.Thr335Pro).